The following is an entry in ClinVar:

NM_014975.3(MAST1):c.1001C>A (p.Pro334His)

Gene: MAST1 (microtubule associated serine/threonine kinase 1; plus strand). Cytogenetic location: 19p13.13.
Variant type: single nucleotide variant.
Coding change: c.1001C>A on transcript NM_014975.3 (MANE Select); coding-DNA position 1001, C replaced by A.
Protein change: p.Pro334His; replaces proline 334 with histidine.
Molecular consequence: missense variant.
Genome position (GRCh38, 1-based): chr19:12,852,239, C>A. VCF-style: chr19-12852239-C-A. GRCh37 (hg19) VCF-style: chr19-12963053-C-A.
Other names: short protein forms P334H.
Identifiers: ClinVar variation 3731082 (VCV003731082.1).

ClinVar aggregate classification (germline): Uncertain significance (1 of 4 stars; one submission).

Submission:

GeneDx
Classification: Uncertain significance. Last evaluated: 2024-08-13. Review status: criteria provided, single submitter. Criteria: GeneDx Variant Classification Process June 2021. Collection method: clinical testing. Allele origin: germline. Affected: yes.
Comment: Not observed at significant frequency in large population cohorts (gnomAD); In silico analysis supports that this missense variant has a deleterious effect on protein structure/function; Has not been previously published as pathogenic or benign to our knowledge.